The following is an entry in ClinVar:

NM_007373.4(SHOC2):c.757C>T (p.Leu253Phe)

Gene: SHOC2 (SHOC2 leucine rich repeat scaffold protein; plus strand). Cytogenetic location: 10q25.2.
Variant type: single nucleotide variant.
Coding change: c.757C>T on transcript NM_007373.4 (MANE Select); coding-DNA position 757, C replaced by T.
Protein change: p.Leu253Phe; replaces leucine 253 with phenylalanine.
Molecular consequence: missense variant. On other transcripts: non-coding transcript variant (1), intron variant (1).
Genome position (GRCh38, 1-based): chr10:110,985,681, C>T. VCF-style: chr10-110985681-C-T. GRCh37 (hg19) VCF-style: chr10-112745439-C-T.
Other names: c.757C>T, p.Leu253Phe (NM_001324336.2, NM_001324337.2); c.704-14734C>T (NM_001269039.3); short protein forms L253F.
Identifiers: ClinVar variation 1306621 (VCV001306621.9), dbSNP rs1196924389, ClinGen allele CA378391417.

ClinVar aggregate classification (germline): Uncertain significance. Review status: criteria provided, multiple submitters, no conflicts (2 of 4 stars). 3 submissions from 3 submitters: Uncertain significance (3). Last evaluated 2024-06-19.

Conditions:
Cardiovascular phenotype. Identifiers: MedGen CN230736.
RASopathy. Also called: rasopathies; Noonan spectrum disorder. Identifiers: Orphanet 536391, MedGen C5555857, MONDO:0021060.

Allele frequency attached by ClinVar (database versions not stated): gnomAD exomes below 0.00001; gnomAD 0.00001.

Submissions (3):

Labcorp Genetics (formerly Invitae), Labcorp
Classification: Uncertain significance for RASopathy. Last evaluated: 2024-06-19. Review status: criteria provided, single submitter. Criteria: Invitae Variant Classification Sherloc (09022015). Collection method: clinical testing. Allele origin: germline.
Comment: This sequence change replaces leucine, which is neutral and non-polar, with phenylalanine, which is neutral and non-polar, at codon 253 of the SHOC2 protein (p.Leu253Phe). This variant is present in population databases (no rsID available, gnomAD 0.008%). This variant has not been reported in the literature in individuals affected with SHOC2-related conditions. ClinVar contains an entry for this variant (Variation ID: 1306621). Advanced modeling of protein sequence and biophysical properties (such as structural, functional, and spatial information, amino acid conservation, physicochemical variation, residue mobility, and thermodynamic stability) has been performed at Invitae for this missense variant, however the output from this modeling did not meet the statistical confidence thresholds required to predict the impact of this variant on SHOC2 protein function. In summary, the available evidence is currently insufficient to determine the role of this variant in disease. Therefore, it has been classified as a Variant of Uncertain Significance.

Ambry Genetics
Classification: Uncertain significance for Cardiovascular phenotype. Last evaluated: 2023-04-08. Review status: criteria provided, single submitter. Criteria: Ambry Variant Classification Scheme 2023. Collection method: clinical testing. Allele origin: germline.
Comment: The p.L253F variant (also known as c.757C>T), located in coding exon 2 of the SHOC2 gene, results from a C to T substitution at nucleotide position 757. The leucine at codon 253 is replaced by phenylalanine, an amino acid with highly similar properties. This amino acid position is conserved. In addition, the in silico prediction for this alteration is inconclusive. Since supporting evidence is limited at this time, the clinical significance of this alteration remains unclear.

GeneDx
Classification: Uncertain significance. Last evaluated: 2019-06-28. Review status: criteria provided, single submitter. Criteria: GeneDx Variant Classification Process June 2021. Collection method: clinical testing. Allele origin: germline. Affected: yes.
Comment: In silico analysis, which includes protein predictors and evolutionary conservation, supports a deleterious effect; Has not been previously published as pathogenic or benign to our knowledge